The following is an entry in ClinVar:

ClinVar aggregate classification (germline): Uncertain significance (1 of 4 stars; one submission).

Conditions:
Malignant hyperthermia, susceptibility to, 5 (MHS5). Also called: CACNA1S-Related Malignant Hyperthermia Susceptibility. Identifiers: Orphanet 423, MedGen C1866077, MONDO:0011163, OMIM 601887.

Submission:

All of Us Research Program, National Institutes of Health
Classification: Uncertain significance for Malignant hyperthermia, susceptibility to, 5. Last evaluated: 2023-05-30. Review status: criteria provided, single submitter. Criteria: ACMG Guidelines, 2015. Collection method: clinical testing. Allele origin: germline. Inheritance: Autosomal dominant inheritance. Observed: 1 variant allele, 1 heterozygote.
Comment: This missense variant replaces asparagine with histidine at codon 455 of the CACNA1S protein. Computational prediction suggests that this variant may not impact protein structure and function (internally defined REVEL score threshold <= 0.5, PMID: 27666373). To our knowledge, functional studies have not been reported for this variant. This variant has not been reported in individuals affected with CACNA1S-related disorders in the literature. This variant has not been identified in the general population by the Genome Aggregation Database (gnomAD). The available evidence is insufficient to determine the role of this variant in disease conclusively. Therefore, this variant is classified as a Variant of Uncertain Significance.

This study involves interpretation of variants in research participants for the purpose of population health screening. Participant phenotype was not available at the time of variant classification. Additional details can be found in publication PMID: 35346344, PMCID: PMC8962531

NM_000069.3(CACNA1S):c.1363A>C (p.Asn455His)

Gene: CACNA1S (calcium voltage-gated channel subunit alpha1 S; minus strand). Cytogenetic location: 1q32.1.
Variant type: single nucleotide variant.
Coding change: c.1363A>C on transcript NM_000069.3 (MANE Select); coding-DNA position 1363, A replaced by C.
Protein change: p.Asn455His; replaces asparagine 455 with histidine.
Molecular consequence: missense variant.
Genome position (GRCh38, 1-based): chr1:201,083,192, T>G on the plus strand (A>C on the coding strand, the complement: CACNA1S is on the minus strand). VCF-style: chr1-201083192-T-G. GRCh37 (hg19) VCF-style: chr1-201052320-T-G.
Other names: short protein forms N455H.
Identifiers: ClinVar variation 3071310 (VCV003071310.1), dbSNP rs2464589360, ClinGen allele CA344125240.
Genomic context (GRCh38, chr1:201,083,192, plus strand): 5'-TCCTCCCGGCTTCACTCCGTTCCGCCTCACCTTGCAAACGGGTCAGCCAGAGAGGCTGGT[T>G]GTGGTGCTCTGAGGCGATAGACAGGGTGTTGAGGGCAACGATGAGAATCACCAGCCAATA-3'
Protein context (NP_000060.2, residues 445-465): NTLSIASEHH[Asn455His]QPLWLTRLQD